The following is an entry in ClinVar:

NM_003664.5(AP3B1):c.624dup (p.Met209fs)

Gene: AP3B1 (adaptor related protein complex 3 subunit beta 1; minus strand). Cytogenetic location: 5q14.1.
Variant type: Duplication.
Coding change: c.624dup on transcript NM_003664.5 (MANE Select); coding-DNA position 624, one base duplicated (G; older notation c.624dupG).
Protein change: p.Met209fs; shifts the reading frame from methionine 209.
Molecular consequence: frameshift variant.
Genome position (GRCh38, 1-based): chr5:78,216,217, C duplicated on the plus strand (G on the coding strand, the reverse complement: AP3B1 is on the minus strand). VCF-style (leftmost placement, unchanged base first): chr5-78216216-T-TC. GRCh37 (hg19) VCF-style: chr5-77512040-T-TC.
Other names: c.477dup, p.Met160fs (NM_001271769.2); c.624dup, p.Met209fs (NM_001410752.1); short protein forms M160fs, M209fs.
Identifiers: ClinVar variation 3653778 (VCV003653778.2).

ClinVar aggregate classification (germline): Pathogenic (1 of 4 stars; one submission).

Conditions:
Hermansky-Pudlak syndrome 2 (HPS2). Also called: Platelet defects and oculocutaneous albinism. Identifiers: Orphanet 183678, Orphanet 79430, MedGen C1842362, MONDO:0011997, OMIM 608233.

Submission:

Labcorp Genetics (formerly Invitae), Labcorp
Classification: Pathogenic for Hermansky-Pudlak syndrome 2. Last evaluated: 2024-05-18. Review status: criteria provided, single submitter. Criteria: Invitae Variant Classification Sherloc (09022015). Collection method: clinical testing. Allele origin: germline.
Comment: This sequence change creates a premature translational stop signal (p.Met209Aspfs*4) in the AP3B1 gene. It is expected to result in an absent or disrupted protein product. Loss-of-function variants in AP3B1 are known to be pathogenic (PMID: 16507770, 23403622). This variant is not present in population databases (gnomAD no frequency). This variant has not been reported in the literature in individuals affected with AP3B1-related conditions. For these reasons, this variant has been classified as Pathogenic.

Literature cited by the submitters: PubMed 16507770; PubMed 23403622.